The following is an entry in ClinVar:

NM_000069.3(CACNA1S):c.3623C>T (p.Ser1208Phe)

Gene: CACNA1S (calcium voltage-gated channel subunit alpha1 S; minus strand). Cytogenetic location: 1q32.1.
Variant type: single nucleotide variant.
Coding change: c.3623C>T on transcript NM_000069.3 (MANE Select); coding-DNA position 3623, C replaced by T.
Protein change: p.Ser1208Phe; replaces serine 1208 with phenylalanine.
Molecular consequence: missense variant.
Genome position (GRCh38, 1-based): chr1:201,054,548, G>A on the plus strand (C>T on the coding strand, the complement: CACNA1S is on the minus strand). VCF-style: chr1-201054548-G-A. GRCh37 (hg19) VCF-style: chr1-201023676-G-A.
Other names: short protein forms S1208F.
Identifiers: ClinVar variation 2931527 (VCV002931527.3), dbSNP rs2464466667, ClinGen allele CA344156009.

ClinVar aggregate classification (germline): Uncertain significance (1 of 4 stars; one submission).

Conditions:
Malignant hyperthermia, susceptibility to, 5 (MHS5). Also called: CACNA1S-Related Malignant Hyperthermia Susceptibility. Identifiers: Orphanet 423, MedGen C1866077, MONDO:0011163, OMIM 601887.
Hypokalemic periodic paralysis, type 1. Also called: Hypokalemic Periodic Paralysis Type 1 (AD); HypoPP. Identifiers: Orphanet 681, MedGen C3714580, MONDO:0042979, OMIM 170400.

Submission:

Labcorp Genetics (formerly Invitae), Labcorp
Classification: Uncertain significance for Hypokalemic periodic paralysis, type 1; Malignant hyperthermia, susceptibility to, 5. Last evaluated: 2023-09-01. Review status: criteria provided, single submitter. Criteria: Invitae Variant Classification Sherloc (09022015). Collection method: clinical testing. Allele origin: germline.
Comment: This variant has not been reported in the literature in individuals affected with CACNA1S-related conditions. This variant is not present in population databases (gnomAD no frequency). This sequence change replaces serine, which is neutral and polar, with phenylalanine, which is neutral and non-polar, at codon 1208 of the CACNA1S protein (p.Ser1208Phe). Advanced modeling of protein sequence and biophysical properties (such as structural, functional, and spatial information, amino acid conservation, physicochemical variation, residue mobility, and thermodynamic stability) performed at Invitae indicates that this missense variant is not expected to disrupt CACNA1S protein function. In summary, the available evidence is currently insufficient to determine the role of this variant in disease. Therefore, it has been classified as a Variant of Uncertain Significance.